The following is an entry in ClinVar:

NM_003906.5(MCM3AP):c.3483A>C (p.Arg1161Ser)

Gene: MCM3AP (minichromosome maintenance complex component 3 associated protein; minus strand). Cytogenetic location: 21q22.3.
Variant type: single nucleotide variant.
Coding change: c.3483A>C on transcript NM_003906.5 (MANE Select); coding-DNA position 3483, A replaced by C.
Protein change: p.Arg1161Ser; replaces arginine 1161 with serine.
Molecular consequence: missense variant.
Genome position (GRCh38, 1-based): chr21:46,260,891, T>G on the plus strand (A>C on the coding strand, the complement: MCM3AP is on the minus strand). VCF-style: chr21-46260891-T-G. GRCh37 (hg19) VCF-style: chr21-47680805-T-G.
Other names: c.3483A>C (NM_003906.3); short protein forms R1161S.
Identifiers: ClinVar variation 1434204 (VCV001434204.4), dbSNP rs974242105, ClinGen allele CA321984870.

ClinVar aggregate classification (germline): Uncertain significance. Review status: criteria provided, multiple submitters, no conflicts (2 of 4 stars). 2 submissions from 2 submitters: Uncertain significance (2). Last evaluated 2025-07-01.

Conditions:
Inborn genetic diseases. Identifiers: MedGen C0950123, MeSH D030342.

Allele frequency attached by ClinVar (database versions not stated): gnomAD 0.00002 and 0.00001; TOPMed 0.00002; gnomAD exomes below 0.00001 and 0.00001.
gnomAD v4.1: 12 of 1,612,506 alleles (0.00074%); highest among the groups gnomAD compares: South Asian, 0.0022%; no homozygotes.

Submissions (2):

Ambry Genetics
Classification: Uncertain significance for Inborn genetic diseases. Last evaluated: 2025-07-01. Review status: criteria provided, single submitter. Criteria: Ambry Variant Classification Scheme 2023. Collection method: clinical testing. Allele origin: germline.

Labcorp Genetics (formerly Invitae), Labcorp
Classification: Uncertain significance. Last evaluated: 2021-11-19. Review status: criteria provided, single submitter. Criteria: Invitae Variant Classification Sherloc (09022015). Collection method: clinical testing. Allele origin: germline.
Comment: This sequence change replaces arginine, which is basic and polar, with serine, which is neutral and polar, at codon 1161 of the MCM3AP protein (p.Arg1161Ser). This variant is present in population databases (no rsID available, gnomAD 0.0009%). This variant has not been reported in the literature in individuals affected with MCM3AP-related conditions. Algorithms developed to predict the effect of missense changes on protein structure and function are either unavailable or do not agree on the potential impact of this missense change (SIFT: "Deleterious"; PolyPhen-2: "Probably Damaging"; Align-GVGD: "Class C0"). In summary, the available evidence is currently insufficient to determine the role of this variant in disease. Therefore, it has been classified as a Variant of Uncertain Significance.